The following is an entry in ClinVar:

ClinVar aggregate classification (germline): Uncertain significance (1 of 4 stars; one submission).

Conditions:
Inborn genetic diseases. Identifiers: MedGen C0950123, MeSH D030342.

gnomAD v4.1: 1 of 1,604,712 alleles (0.000062%); highest among the groups gnomAD compares: South Asian, 0.0011%; no homozygotes.

Submission:

Ambry Genetics
Classification: Uncertain significance for Inborn genetic diseases. Last evaluated: 2026-04-03. Review status: criteria provided, single submitter. Criteria: Ambry Variant Classification Scheme 2023. Collection method: clinical testing. Allele origin: germline.
Comment: The p.P647Q variant (also known as c.1940C>A), located in coding exon 13 of the ASXL1 gene, results from a C to A substitution at nucleotide position 1940. The proline at codon 647 is replaced by glutamine, an amino acid with similar properties. This amino acid position is conserved. In addition, the in silico prediction for this alteration is inconclusive. Based on the available evidence, the clinical significance of this variant remains unclear.

NM_015338.6(ASXL1):c.1940C>A (p.Pro647Gln)

Gene: ASXL1 (ASXL transcriptional regulator 1; plus strand). Cytogenetic location: 20q11.21.
Variant type: single nucleotide variant.
Coding change: c.1940C>A on transcript NM_015338.6 (MANE Select); coding-DNA position 1940, C replaced by A.
Protein change: p.Pro647Gln; replaces proline 647 with glutamine.
Molecular consequence: missense variant.
Genome position (GRCh38, 1-based): chr20:32,434,652, C>A. VCF-style: chr20-32434652-C-A. GRCh37 (hg19) VCF-style: chr20-31022455-C-A.
Other names: c.1757C>A, p.Pro586Gln (NM_001363734.1); short protein forms P586Q, P647Q.
Identifiers: ClinVar variation 4864167 (VCV004864167.1).